The following is an entry in ClinVar:

NM_001111125.3(IQSEC2):c.3152C>T (p.Pro1051Leu)

Gene: IQSEC2 (IQ motif and Sec7 domain ArfGEF 2; minus strand). Cytogenetic location: Xp11.22.
Variant type: single nucleotide variant.
Coding change: c.3152C>T on transcript NM_001111125.3 (MANE Select); coding-DNA position 3152, C replaced by T.
Protein change: p.Pro1051Leu; replaces proline 1051 with leucine.
Molecular consequence: missense variant.
Genome position (GRCh38, 1-based): chrX:53,238,270, G>A on the plus strand (C>T on the coding strand, the complement: IQSEC2 is on the minus strand). VCF-style: chrX-53238270-G-A. GRCh37 (hg19) VCF-style: chrX-53267452-G-A.
Other names: c.3152C>T, p.Pro1051Leu (NM_001410736.1, NM_001441092.1); c.2654C>T, p.Pro885Leu (NM_001441093.1); c.2441C>T, p.Pro814Leu (NM_001441094.1, NM_001441095.1); c.2537C>T, p.Pro846Leu (NM_015075.2); short protein forms P1051L, P814L, P846L, P885L.
Identifiers: ClinVar variation 4527808 (VCV004527808.2).
Genomic context (GRCh38, chrX:53,238,270, plus strand): 5'-CGCAGCCGGTCCTGGAGGCTGGGGGCATTGAAGATGATGAGGACTTTTCGCTCCCCACCA[G>A]GTACTGCAGACAGCAACTTGATCCCAAACTGGTAATCTGTGGAGAAAGGGGAGACTGGGC-3'
Protein context (NP_001104595.1, residues 1041-1061): QFGIKLLSAV[Pro1051Leu]GGERKVLIIF

ClinVar aggregate classification (germline): Uncertain significance (1 of 4 stars; one submission).

Submission:

GeneDx
Classification: Uncertain significance. Last evaluated: 2026-05-07. Review status: criteria provided, single submitter. Criteria: GeneDx Variant Classification Process June 2021. Collection method: clinical testing. Allele origin: germline.
Comment: Not observed at significant frequency in large population cohorts (gnomAD); In silico analysis supports that this missense variant has a deleterious effect on protein structure/function; Has not been previously published as pathogenic or benign to our knowledge; This variant is associated with the following publications: (PMID: 20473311)